The following is an entry in ClinVar:

NM_000057.4(BLM):c.1899T>G (p.Asn633Lys)

Gene: BLM (BLM RecQ like helicase; plus strand). Cytogenetic location: 15q26.1.
Variant type: single nucleotide variant.
Coding change: c.1899T>G on transcript NM_000057.4 (MANE Select); coding-DNA position 1899, T replaced by G.
Protein change: p.Asn633Lys; replaces asparagine 633 with lysine.
Molecular consequence: missense variant.
Genome position (GRCh38, 1-based): chr15:90,762,982, T>G. VCF-style: chr15-90762982-T-G. GRCh37 (hg19) VCF-style: chr15-91306212-T-G.
Other names: c.1899T>G, p.Asn633Lys (NM_001287246.2, NM_001287247.2); c.774T>G, p.Asn258Lys (NM_001287248.2); short protein forms N633K, N258K.
Identifiers: ClinVar variation 3480812 (VCV003480812.1).

ClinVar aggregate classification (germline): Uncertain significance (1 of 4 stars; one submission).

Conditions:
Hereditary cancer-predisposing syndrome. Also called: Tumor predisposition; Neoplastic Syndromes, Hereditary; Hereditary neoplastic syndrome; Hereditary Cancer Syndrome. Identifiers: Orphanet 140162, MedGen C0027672, MeSH D009386, MONDO:0015356.

Submission:

Ambry Genetics
Classification: Uncertain significance for Hereditary cancer-predisposing syndrome. Last evaluated: 2024-07-13. Review status: criteria provided, single submitter. Criteria: Ambry Variant Classification Scheme 2023. Collection method: clinical testing. Allele origin: germline.
Comment: The p.N633K variant (also known as c.1899T>G), located in coding exon 7 of the BLM gene, results from a T to G substitution at nucleotide position 1899. The asparagine at codon 633 is replaced by lysine, an amino acid with similar properties. This amino acid position is conserved. In addition, this alteration is predicted to be tolerated by in silico analysis. Based on the available evidence, the clinical significance of this variant remains unclear.